The following is an entry in ClinVar:

ClinVar aggregate classification (germline): Uncertain significance. Review status: criteria provided, multiple submitters, no conflicts (2 of 4 stars). 2 submissions from 2 submitters: Uncertain significance (2). Last evaluated 2025-01-27.

Conditions:
Lethal Kniest-like syndrome (DDSH). Also called: Dyssegmental Dysplasia. Identifiers: Orphanet 1865, MedGen C1857100, MONDO:0009140, OMIM 224410.
Schwartz-Jampel syndrome type 1 (SJS1). Also called: MYOTONIC MYOPATHY, DWARFISM, CHONDRODYSTROPHY, AND OCULAR AND FACIAL ABNORMALITIES; CHONDRODYSTROPHIC MYOTONIA. Identifiers: MedGen C4551479, MONDO:0100435, OMIM 255800.

Allele frequency attached by ClinVar (database versions not stated): gnomAD exomes below 0.00001; TOPMed 0.00003.

Submissions (2):

Labcorp Genetics (formerly Invitae), Labcorp
Classification: Uncertain significance. Last evaluated: 2025-01-27. Review status: criteria provided, single submitter. Criteria: Invitae Variant Classification Sherloc (09022015). Collection method: clinical testing. Allele origin: germline.
Comment: This variant, c.9900_9902dup, results in the insertion of 1 amino acid(s) of the HSPG2 protein (p.Ala3301dup), but otherwise preserves the integrity of the reading frame. This variant is present in population databases (no rsID available, gnomAD 0.003%). This variant has not been reported in the literature in individuals affected with HSPG2-related conditions. ClinVar contains an entry for this variant (Variation ID: 1503559). Experimental studies and prediction algorithms are not available or were not evaluated, and the functional significance of this variant is currently unknown. In summary, the available evidence is currently insufficient to determine the role of this variant in disease. Therefore, it has been classified as a Variant of Uncertain Significance.

New York Genome Center
Classification: Uncertain significance for Schwartz-Jampel syndrome type 1; Lethal Kniest-like syndrome. Last evaluated: 2021-09-03. Review status: criteria provided, single submitter. Criteria: NYGC Assertion Criteria 2020. Collection method: clinical testing. Allele origin: inherited. Observed: 1 compound heterozygote. Study: CSER-NYCKidSeq.

NM_005529.7(HSPG2):c.9900_9902dup (p.Ala3301dup)

Gene: HSPG2 (heparan sulfate proteoglycan 2; minus strand). Cytogenetic location: 1p36.12.
Variant type: Duplication.
Coding change: c.9900_9902dup on transcript NM_005529.7 (MANE Select); coding-DNA positions 9900 to 9902, 3 bases duplicated (TGC; older notation c.9900_9902dupTGC).
Protein change: p.Ala3301dup; duplicates alanine 3301.
Molecular consequence: inframe insertion.
Genome position (GRCh38, 1-based): chr1:21,839,073-21,839,075, GCA duplicated on the plus strand (TGC on the coding strand, the reverse complement: HSPG2 is on the minus strand). VCF-style (leftmost placement, unchanged base first): chr1-21839072-G-GGCA. GRCh37 (hg19) VCF-style: chr1-22165565-G-GGCA.
Other names: c.9903_9905dup, p.Ala3302dup (NM_001291860.2).
Identifiers: ClinVar variation 1503559 (VCV001503559.8), dbSNP rs1345312289, ClinGen allele CA521900341.